The following is an entry in ClinVar:

NM_000143.4(FH):c.379-1G>C

Gene: FH (fumarate hydratase; minus strand). Cytogenetic location: 1q43.
Variant type: single nucleotide variant.
Coding change: c.379-1G>C on transcript NM_000143.4 (MANE Select); the canonical splice acceptor site of the intron before coding-DNA position 379, G replaced by C.
Molecular consequence: splice acceptor variant.
Genome position (GRCh38, 1-based): chr1:241,512,144, C>G on the plus strand (G>C on the coding strand, the complement: FH is on the minus strand). VCF-style: chr1-241512144-C-G. GRCh37 (hg19) VCF-style: chr1-241675444-C-G.
Identifiers: ClinVar variation 859883 (VCV000859883.15), dbSNP rs1553341623, ClinGen allele CA345440236.

ClinVar aggregate classification (germline): Pathogenic/Likely pathogenic. Review status: criteria provided, multiple submitters, no conflicts (2 of 4 stars). 5 submissions from 5 submitters: Pathogenic (1); Likely pathogenic (4). Last evaluated 2025-04-25.

Conditions:
Hereditary leiomyomatosis and renal cell cancer. Also called: FH tumor predisposition syndrome; LEIOMYOMA, MULTIPLE CUTANEOUS; MULTIPLE CUTANEOUS AND UTERINE LEIOMYOMATA 1, WITH OR WITHOUT RENAL CELL CARCINOMA; Reed syndrome; Multiple cutaneous and uterine leiomyomatosis; Cutaneous leiomyomata with uterine leiomyomata. Identifiers: Orphanet 523, MedGen C1708350, MONDO:0007888, OMIM 150800, HP:0007437. Disease mechanism: loss of function.
Hereditary cancer-predisposing syndrome. Also called: Neoplastic Syndromes, Hereditary; Tumor predisposition; Hereditary Cancer Syndrome; Hereditary neoplastic syndrome. Identifiers: Orphanet 140162, MedGen C0027672, MeSH D009386, MONDO:0015356.
Fumarase deficiency (FMRD). Also called: Fumaric aciduria; Fumarate Hydratase Deficiency. Identifiers: Orphanet 24, MedGen C0342770, MONDO:0011730, OMIM 606812.

Submissions (5):

Women's Health and Genetics/Laboratory Corporation of America, LabCorp
Classification: Likely pathogenic for Hereditary leiomyomatosis and renal cell cancer. Last evaluated: 2025-04-25. Review status: criteria provided, single submitter. Criteria: LabCorp Variant Classification Summary - May 2015. Collection method: clinical testing. Allele origin: germline.
Comment: Variant summary: FH c.379-1G>C is located in a canonical splice-site and is predicted to affect mRNA splicing resulting in a significantly altered protein due to either exon skipping, shortening, or inclusion of intronic material. Variants that disrupt the consensus splice site are a relatively common cause of aberrant splicing and loss of FH function. Several computational tools predict a significant impact on normal splicing: Four predict the variant abolishes a 3' acceptor site. Three predict the variant creates a cryptic 3' acceptor site. One predicts the variant strengthens a cryptic 3' acceptor site. However, these predictions have yet to be confirmed by functional studies. The variant was absent in 249922 control chromosomes. To our knowledge, no occurrence of c.379-1G>C in individuals affected with Hereditary Leiomyomatosis And Renal Cell Cancer and no experimental evidence demonstrating its impact on protein function have been reported. ClinVar contains an entry for this variant (Variation ID: 859883). Based on the evidence outlined above, the variant was classified as likely pathogenic.

Natera, Inc.
Classification: Likely pathogenic for Fumarase Deficiency. Last evaluated: 2024-09-27. Review status: criteria provided, single submitter. Criteria: Natera Variant Classification Schema (03/2026). Collection method: clinical testing. Allele origin: germline.
Comment: The c.379-1G>C variant in FH is a canonical splice acceptor site variant predicted to affect pre-mRNA splicing, which may result in an abnormal transcript and altered protein product. This variant is expected to result in nonsense mediated decay, truncation, or a dysfunctional protein product. This variant is rare in the general population with a frequency below the threshold expected for the associated phenotype(s). Given the available evidence, this variant is classified as Likely Pathogenic.

Myriad Genetics, Inc.
Classification: Likely pathogenic for Hereditary leiomyomatosis and renal cell cancer. Last evaluated: 2024-03-29. Review status: criteria provided, single submitter. Criteria: Myriad Autosomal Dominant, Autosomal Recessive and X-Linked Classification Criteria (2023). Collection method: clinical testing. Allele origin: unknown.
Comment: This variant is considered likely pathogenic. This variant occurs within a consensus splice junction and is predicted to result in abnormal mRNA splicing of either an out-of-frame exon or an in-frame exon necessary for protein stability and/or normal function.

Ambry Genetics
Classification: Likely pathogenic for Hereditary cancer-predisposing syndrome. Last evaluated: 2024-01-09. Review status: criteria provided, single submitter. Criteria: Ambry Variant Classification Scheme 2023. Collection method: clinical testing. Allele origin: germline.
Comment: The c.379-1G>C intronic variant results from a G to C substitution one nucleotide upstream from coding exon 4 of the FH gene. This nucleotide position is highly conserved in available vertebrate species. This alteration has been observed in at least one individual with a personal and/or family history that is consistent with FH-related disease (Ambry internal data). In silico splice site analysis predicts that this alteration will weaken the native splice acceptor site and will result in the creation or strengthening of a novel splice acceptor site; however, direct evidence is insufficient at this time (Ambry internal data). This variant is considered to be rare based on population cohorts in the Genome Aggregation Database (gnomAD). Alterations that disrupt the canonical splice site are expected to cause aberrant splicing, resulting in an abnormal protein or a transcript that is subject to nonsense-mediated mRNA decay. As such, this alteration is classified as likely pathogenic.

Labcorp Genetics (formerly Invitae), Labcorp
Classification: Pathogenic. Last evaluated: 2022-10-28. Review status: criteria provided, single submitter. Criteria: Invitae Variant Classification Sherloc (09022015). Collection method: clinical testing. Allele origin: germline.
Comment: For these reasons, this variant has been classified as Pathogenic. Algorithms developed to predict the effect of sequence changes on RNA splicing suggest that this variant may disrupt the consensus splice site. ClinVar contains an entry for this variant (Variation ID: 859883). This variant is also known as c.250-2A>G. Disruption of this splice site has been observed in individual(s) with clinical features of FH-related conditions (PMID: 21398687, 28300276; Invitae). It has also been observed to segregate with disease in related individuals. This variant is not present in population databases (gnomAD no frequency). This sequence change affects an acceptor splice site in intron 3 of the FH gene. It is expected to disrupt RNA splicing. Variants that disrupt the donor or acceptor splice site typically lead to a loss of protein function (PMID: 16199547), and loss-of-function variants in FH are known to be pathogenic (PMID: 11865300, 21398687).

Literature cited by the submitters: PubMed 21398687 (cited by Labcorp Genetics (formerly Invitae), Labcorp); PubMed 28300276 (cited by Labcorp Genetics (formerly Invitae), Labcorp); PubMed 16199547 (cited by Labcorp Genetics (formerly Invitae), Labcorp); PubMed 11865300 (cited by Labcorp Genetics (formerly Invitae), Labcorp).